The following is an entry in ClinVar:

ClinVar aggregate classification (germline): Uncertain significance (1 of 4 stars; one submission).

Conditions:
Malignant hyperthermia, susceptibility to, 5 (MHS5). Also called: CACNA1S-Related Malignant Hyperthermia Susceptibility. Identifiers: Orphanet 423, MedGen C1866077, MONDO:0011163, OMIM 601887.

Allele frequency attached by ClinVar (database versions not stated): gnomAD exomes below 0.00001.
gnomAD v4.1: 1 of 1,614,188 alleles (0.000062%); highest among the groups gnomAD compares: Non-Finnish European, 0.000085%; no homozygotes.

Submission:

All of Us Research Program, National Institutes of Health
Classification: Uncertain significance for Malignant hyperthermia, susceptibility to, 5. Last evaluated: 2023-08-28. Review status: criteria provided, single submitter. Criteria: ACMG Guidelines, 2015. Collection method: clinical testing. Allele origin: germline. Inheritance: Autosomal dominant inheritance. Observed: 1 variant allele, 1 heterozygote.
Comment: This missense variant replaces arginine with glycine at codon 1491 of the CACNA1S protein. Computational prediction suggests that this variant may not impact protein structure and function (internally defined REVEL score threshold <= 0.5, PMID: 27666373). To our knowledge, functional studies have not been reported for this variant. This variant has not been reported in individuals affected with CACNA1S-related disorders in the literature. This variant has been identified in 1/251432 chromosomes in the general population by the Genome Aggregation Database (gnomAD). The available evidence is insufficient to determine the role of this variant in disease conclusively. Therefore, this variant is classified as a Variant of Uncertain Significance.

This study involves interpretation of variants in research participants for the purpose of population health screening. Participant phenotype was not available at the time of variant classification. Additional details can be found in publication PMID: 35346344, PMCID: PMC8962531

NM_000069.3(CACNA1S):c.4471A>G (p.Arg1491Gly)

Gene: CACNA1S (calcium voltage-gated channel subunit alpha1 S; minus strand). Cytogenetic location: 1q32.1.
Variant type: single nucleotide variant.
Coding change: c.4471A>G on transcript NM_000069.3 (MANE Select); coding-DNA position 4471, A replaced by G.
Protein change: p.Arg1491Gly; replaces arginine 1491 with glycine.
Molecular consequence: missense variant.
Genome position (GRCh38, 1-based): chr1:201,047,597, T>C on the plus strand (A>G on the coding strand, the complement: CACNA1S is on the minus strand). VCF-style: chr1-201047597-T-C. GRCh37 (hg19) VCF-style: chr1-201016725-T-C.
Other names: short protein forms R1491G.
Identifiers: ClinVar variation 3073246 (VCV003073246.1), dbSNP rs1386325735, ClinGen allele CA344143354.
Genomic context (GRCh38, chr1:201,047,597, plus strand): 5'-GGATGACCTGGTCCAAGAGCTTCATGCTGGTTCTCTTCCAGATCTTCTTGATGATGGCCC[T>C]CAGCTCCTCGTTGGCCTGCTCAAAGTTACCTGGAGCAGGAGAAAGGCAAAAGTTACCCAG-3'
Protein context (NP_000060.2, residues 1481-1501): GNFEQANEEL[Arg1491Gly]AIIKKIWKRT